The following is an entry in ClinVar:

ClinVar aggregate classification (germline): Uncertain significance. Review status: criteria provided, multiple submitters, no conflicts (2 of 4 stars). 2 submissions from 2 submitters: Uncertain significance (2). Last evaluated 2022-05-15.

Conditions:
Myasthenic syndrome, congenital, 22 (CMS22). Also called: PREPL DEFICIENCY. Identifiers: MedGen C4479088, MONDO:0044299, OMIM 616224.

Allele frequency attached by ClinVar (database versions not stated): gnomAD exomes below 0.00001; TOPMed below 0.00001; ExAC 0.00001; gnomAD 0.00001.
gnomAD v4.1: 5 of 1,610,176 alleles (0.00031%); highest among the groups gnomAD compares: Middle Eastern, 0.017%; no homozygotes.

Submissions (2):

Labcorp Genetics (formerly Invitae), Labcorp
Classification: Uncertain significance for Myasthenic syndrome, congenital, 22. Last evaluated: 2022-05-15. Review status: criteria provided, single submitter. Criteria: Invitae Variant Classification Sherloc (09022015). Collection method: clinical testing. Allele origin: germline.
Comment: This sequence change replaces arginine, which is basic and polar, with glutamine, which is neutral and polar, at codon 68 of the PREPL protein (p.Arg68Gln). This variant is present in population databases (rs774922740, gnomAD 0.003%). This variant has not been reported in the literature in individuals affected with PREPL-related conditions. Algorithms developed to predict the effect of missense changes on protein structure and function are either unavailable or do not agree on the potential impact of this missense change (SIFT: "Tolerated"; PolyPhen-2: "Possibly Damaging"; Align-GVGD: "Class C0"). In summary, the available evidence is currently insufficient to determine the role of this variant in disease. Therefore, it has been classified as a Variant of Uncertain Significance.

Department of Pathology and Laboratory Medicine, Sinai Health System
Classification: Uncertain significance for Myasthenic syndrome, congenital, 22. Last evaluated: 2021-07-30. Review status: criteria provided, single submitter. Criteria: ACMG Guidelines, 2015. Collection method: research. Allele origin: germline.

NM_001171613.2(PREPL):c.-49+1867G>A

Gene: PREPL (prolyl endopeptidase like; minus strand). Cytogenetic location: 2p21.
Variant type: single nucleotide variant.
Coding change: c.-49+1867G>A on transcript NM_001171613.2 (MANE Select); 1867 bases into the intron after 49 bases upstream of the start codon, G replaced by A.
Molecular consequence: intron variant. On other transcripts: missense variant (7).
Genome position (GRCh38, 1-based): chr2:44,359,513, C>T on the plus strand (G>A on the coding strand, the complement: PREPL is on the minus strand). VCF-style: chr2-44359513-C-T. GRCh37 (hg19) VCF-style: chr2-44586652-C-T.
Other names: c.203G>A, p.Arg68Gln (NM_001042385.2, NM_001374275.1, NM_001374276.1 and 4 more transcripts); c.-49+2011G>A (NM_001171617.1); c.-49+1904G>A (NM_001374277.1); short protein forms R68Q.
Identifiers: ClinVar variation 2164860 (VCV002164860.2), dbSNP rs774922740, ClinGen allele CA1641723.
Genomic context (GRCh38, chr2:44,359,513, plus strand): 5'-TAATCTTAATGACCTACAAATAGGTTAACTTAAACAGTCCATACCTTACATGAGAAGCTC[C>T]GACTTGGGATGTTTCTTGCTAACTCTGATATCTTGGGTTTATTCTGAAGACACTTGGTTA-3'